The following is an entry in ClinVar:

NM_001256715.2(DNAAF3):c.86-61_86-52del

Genes: DNAAF3 (dynein axonemal assembly factor 3; minus strand), DNAAF3-AS1 (DNAAF3 antisense RNA 1; plus strand). Cytogenetic location: 19q13.42.
Variant type: Deletion.
Coding change: c.86-61_86-52del on transcript NM_001256715.2 (MANE Select); 61 bases into the intron before coding-DNA position 86 through 52 bases into the intron before coding-DNA position 86, 10 bases deleted (GATGCTACGG; older notation c.86-61_86-52delGATGCTACGG).
Molecular consequence: intron variant. On other transcripts: frameshift variant (1).
Genome position (GRCh38, 1-based): chr19:55,166,052-55,166,061, CCGTAGCATC deleted on the plus strand (GATGCTACGG on the coding strand, the reverse complement: DNAAF3 is on the minus strand); deleting any 10 consecutive bases within chr19:55,166,052-55,166,063 gives the same sequence; the c. name uses the placement nearest the transcript's 3' end. VCF-style (leftmost placement, unchanged base first): chr19-55166051-ACCGTAGCATC-A. GRCh37 (hg19) VCF-style: chr19-55677419-ACCGTAGCATC-A.
Other names: c.229_238del, p.Asp77fs (NM_001256714.1); c.227-61_227-52del (NM_178837.4); c.-153-61_-153-52del (NM_001256716.2); short protein forms D77fs.
Identifiers: ClinVar variation 2122035 (VCV002122035.4), dbSNP rs2515545899, ClinGen allele CA2580097814.

ClinVar aggregate classification (germline): Pathogenic (1 of 4 stars; one submission).

Conditions:
Primary ciliary dyskinesia. Also called: Ciliary dyskinesia. Identifiers: Orphanet 244, MedGen C0008780, MONDO:0016575, HP:0012265.

Submission:

Labcorp Genetics (formerly Invitae), Labcorp
Classification: Pathogenic for Primary ciliary dyskinesia. Last evaluated: 2022-05-07. Review status: criteria provided, single submitter. Criteria: Invitae Variant Classification Sherloc (09022015). Collection method: clinical testing. Allele origin: germline.
Comment: For these reasons, this variant has been classified as Pathogenic. This variant has not been reported in the literature in individuals affected with DNAAF3-related conditions. This variant is not present in population databases (gnomAD no frequency). This sequence change creates a premature translational stop signal (p.Asp77Trpfs*36) in the DNAAF3 gene. It is expected to result in an absent or disrupted protein product. Loss-of-function variants in DNAAF3 are known to be pathogenic (PMID: 22387996).

Literature cited by the submitters: PubMed 22387996.